The following is an entry in ClinVar:

ClinVar aggregate classification (germline): Pathogenic. Review status: reviewed by expert panel (3 of 4 stars). 8 submissions from 8 submitters: Pathogenic (1). 7 of the submissions do not count toward it. Last evaluated 2016-04-22.

Conditions:
Hereditary cancer-predisposing syndrome. Also called: Tumor predisposition; Neoplastic Syndromes, Hereditary; Hereditary Cancer Syndrome; Hereditary neoplastic syndrome. Identifiers: Orphanet 140162, MedGen C0027672, MeSH D009386, MONDO:0015356.
Hereditary breast ovarian cancer syndrome. Also called: BRCA1- and BRCA2-Associated Hereditary Breast and Ovarian Cancer; Hereditary breast and ovarian cancer syndrome (HBOC); Hereditary breast and/or ovarian cancer syndrome; Hereditary breast and ovarian cancer syndrome; Hereditary breast and ovarian cancer; Breast and ovarian cancer. Identifiers: Orphanet 145, MedGen C0677776, MeSH D061325, MONDO:0003582. Disease mechanism: loss of function.
Breast-ovarian cancer, familial, susceptibility to, 2 (BROVCA2). Also called: BRCA2 Hereditary Breast and Ovarian Cancer. Identifiers: Orphanet 145, MedGen C2675520, MONDO:0012933, OMIM 612555. Disease mechanism: loss of function.

Allele frequency attached by ClinVar (database versions not stated): gnomAD exomes below 0.00001.
gnomAD v4.1: 2 of 1,602,722 alleles (0.00012%); highest among the groups gnomAD compares: Non-Finnish European, 0.00017%; no homozygotes.

Submissions (8):

Evidence-based Network for the Interpretation of Germline Mutant Alleles (ENIGMA)
Classification: Pathogenic for Breast-ovarian cancer, familial, susceptibility to, 2. Last evaluated: 2016-04-22. Review status: reviewed by expert panel. Criteria: ENIGMA BRCA1/2 Classification Criteria (2015). Collection method: curation. Allele origin: germline.
Comment: Variant allele predicted to encode a truncated non-functional protein.

Ambry Genetics
Classification: Pathogenic for Hereditary cancer-predisposing syndrome. Last evaluated: 2026-01-07. Review status: criteria provided, single submitter. Criteria: Ambry Variant Classification Scheme 2023. Collection method: clinical testing. Allele origin: germline. Not counted in ClinVar's aggregate classification.
Comment: The p.C132* pathogenic mutation (also known as c.396T>A), located in coding exon 3 of the BRCA2 gene, results from a T to A substitution at nucleotide position 396. This changes the amino acid from a cysteine to a stop codon within coding exon 3. This variant is considered to be rare based on population cohorts in the Genome Aggregation Database (gnomAD). This alteration is expected to result in loss of function by premature protein truncation or nonsense-mediated mRNA decay. As such, this alteration is interpreted as a disease-causing mutation.

Quest Diagnostics Nichols Institute San Juan Capistrano
Classification: Pathogenic. Last evaluated: 2023-10-03. Review status: criteria provided, single submitter. Criteria: Quest Diagnostics criteria. Collection method: clinical testing. Allele origin: unknown. Not counted in ClinVar's aggregate classification.
Comment: The BRCA2 c.396T>A (p.Cys132*) variant causes the premature termination of BRCA2 protein synthesis. This variant has been reported in the published literature in affected individuals with breast and/or ovarian cancer (PMIDs: 18497862 (2008) and 21702907 (2011)). Functional studies demonstrated that this variant was damaging to protein function (PMIDs: 32393813 (2020) and 32398771 (2020)). This variant has not been reported in large, multi-ethnic general populations (Genome Aggregation Database). Based on the available information, this variant is classified as pathogenic.

Labcorp Genetics (formerly Invitae), Labcorp
Classification: Pathogenic for Hereditary breast ovarian cancer syndrome. Last evaluated: 2022-11-23. Review status: criteria provided, single submitter. Criteria: Invitae Variant Classification Sherloc (09022015). Collection method: clinical testing. Allele origin: germline. Not counted in ClinVar's aggregate classification.
Comment: This sequence change creates a premature translational stop signal (p.Cys132*) in the BRCA2 gene. It is expected to result in an absent or disrupted protein product. Loss-of-function variants in BRCA2 are known to be pathogenic (PMID: 20104584). For these reasons, this variant has been classified as Pathogenic. ClinVar contains an entry for this variant (Variation ID: 37869). This variant is also known as c.624T>A. This premature translational stop signal has been observed in individual(s) with personal and/or family history of breast and/or ovarian cancer (PMID: 18497862, 21702907, 29446198). This variant is not present in population databases (gnomAD no frequency).

GeneDx
Classification: Pathogenic. Last evaluated: 2017-07-12. Review status: criteria provided, single submitter. Criteria: GeneDx Variant Classification (06012015). Collection method: clinical testing. Allele origin: germline. Affected: yes. Not counted in ClinVar's aggregate classification.
Comment: This variant is denoted BRCA2 c.396T>A at the cDNA level and p.Cys132Ter (C132X) at the proteinlevel. The substitution creates a nonsense variant, which changes a Cysteine to a premature stop codon (TGT>TGA),and is predicted to cause loss of normal protein function through either protein truncation or nonsense-mediated mRNAdecay. This variant has been observed in at least one individual with early-onset breast cancer (Waddell 2008), and isconsidered pathogenic

Consortium of Investigators of Modifiers of BRCA1/2 (CIMBA), c/o University of Cambridge
Classification: Pathogenic for Breast-ovarian cancer, familial, susceptibility to, 2. Last evaluated: 2015-10-02. Review status: criteria provided, single submitter. Criteria: CIMBA Mutation Classification guidelines May 2016. Collection method: clinical testing. Allele origin: germline. Not counted in ClinVar's aggregate classification.

Counsyl
Classification: Pathogenic for Breast-ovarian cancer, familial, susceptibility to, 2. Last evaluated: 2016-11-01. Review status: no assertion criteria provided. Collection method: clinical testing. Allele origin: unknown. Not counted in ClinVar's aggregate classification.

Sharing Clinical Reports Project (SCRP)
Classification: Pathogenic for Breast-ovarian cancer, familial 2. Last evaluated: 2007-06-01. Review status: no assertion criteria provided. Collection method: clinical testing. Allele origin: germline. Not counted in ClinVar's aggregate classification.

Literature cited by the submitters: PubMed 29446198 (cited by Quest Diagnostics Nichols Institute San Juan Capistrano and Labcorp Genetics (formerly Invitae), Labcorp); PubMed 18497862 (cited by 3 submitters); PubMed 32398771 (cited by Quest Diagnostics Nichols Institute San Juan Capistrano); PubMed 21702907 (cited by 3 submitters); PubMed 32393813 (cited by Quest Diagnostics Nichols Institute San Juan Capistrano); PubMed 20104584 (cited by Labcorp Genetics (formerly Invitae), Labcorp); PubMed 26635394 (cited by Counsyl).

NM_000059.4(BRCA2):c.396T>A (p.Cys132Ter)

Gene: BRCA2 (BRCA2 DNA repair associated; plus strand). Cytogenetic location: 13q13.1.
Variant type: single nucleotide variant.
Coding change: c.396T>A on transcript NM_000059.4 (MANE Select); coding-DNA position 396, T replaced by A.
Protein change: p.Cys132Ter; replaces cysteine 132 with a stop codon.
Molecular consequence: nonsense.
Genome position (GRCh38, 1-based): chr13:32,325,155, T>A. VCF-style: chr13-32325155-T-A. GRCh37 (hg19) VCF-style: chr13-32899292-T-A.
Other names: 624T>A; short protein forms C132*.
Identifiers: ClinVar variation 37869 (VCV000037869.17), dbSNP rs397507320, ClinGen allele CA019311.